The following is an entry in ClinVar:

ClinVar aggregate classification (germline): Uncertain significance. Review status: criteria provided, multiple submitters, no conflicts (2 of 4 stars). 2 submissions from 2 submitters: Uncertain significance (2). Last evaluated 2026-04-21.

Conditions:
VPS13B-related disorder. Also called: VPS13B-related condition.
Cohen syndrome (COH1). Also called: Cutis verticis gyrata, retinitis pigmentosa, and sensorineural deafness; PEPPER SYNDROME. Identifiers: Orphanet 193, MedGen C0265223, MONDO:0008999, OMIM 216550.

Allele frequency attached by ClinVar (database versions not stated): gnomAD exomes below 0.00001; gnomAD 0.00001.
gnomAD v4.1: 2 of 1,613,068 alleles (0.00012%); highest among the groups gnomAD compares: African/African-American, 0.0013%; no homozygotes.

Submissions (2):

PreventionGenetics, part of Exact Sciences
Classification: Uncertain significance for VPS13B-related condition. Last evaluated: 2026-04-21. Review status: criteria provided, single submitter. Criteria: ACMG Guidelines, 2015. Collection method: clinical testing. Allele origin: germline.
Comment: The VPS13B c.4870G>C variant is predicted to result in the amino acid substitution p.Glu1624Gln. To our knowledge, this variant has not been reported in the literature. This variant is reported in 0.0065% of alleles in individuals of European (Non-Finnish) descent in gnomAD. At this time, the clinical significance of this variant is uncertain due to the absence of conclusive functional and genetic evidence.

Labcorp Genetics (formerly Invitae), Labcorp
Classification: Uncertain significance for Cohen syndrome. Last evaluated: 2025-04-07. Review status: criteria provided, single submitter. Criteria: Invitae Variant Classification Sherloc (09022015). Collection method: clinical testing. Allele origin: germline.
Comment: This sequence change replaces glutamic acid, which is acidic and polar, with glutamine, which is neutral and polar, at codon 1649 of the VPS13B protein (p.Glu1649Gln). This variant is present in population databases (no rsID available, gnomAD 0.007%). This variant has not been reported in the literature in individuals affected with VPS13B-related conditions. ClinVar contains an entry for this variant (Variation ID: 1521324). Invitae Evidence Modeling of protein sequence and biophysical properties (such as structural, functional, and spatial information, amino acid conservation, physicochemical variation, residue mobility, and thermodynamic stability) indicates that this missense variant is expected to disrupt VPS13B protein function with a positive predictive value of 80%. In summary, the available evidence is currently insufficient to determine the role of this variant in disease. Therefore, it has been classified as a Variant of Uncertain Significance.

NM_152564.5(VPS13B):c.4870G>C (p.Glu1624Gln)

Gene: VPS13B (vacuolar protein sorting 13 homolog B; plus strand). Cytogenetic location: 8q22.2.
Variant type: single nucleotide variant.
Coding change: c.4870G>C on transcript NM_152564.5 (MANE Select); coding-DNA position 4870, G replaced by C.
Protein change: p.Glu1624Gln; replaces glutamic acid 1624 with glutamine.
Molecular consequence: missense variant.
Genome position (GRCh38, 1-based): chr8:99,556,574, G>C. VCF-style: chr8-99556574-G-C. GRCh37 (hg19) VCF-style: chr8-100568802-G-C.
Other names: c.4870G>C (NM_152564.4); c.4945G>C, p.Glu1649Gln (NM_017890.5); short protein forms E1649Q, E1624Q.
Identifiers: ClinVar variation 1521324 (VCV001521324.9), dbSNP rs1257281144, ClinGen allele CA371869419.